The following is an entry in ClinVar:

ClinVar aggregate classification (germline): Likely benign (1 of 4 stars; one submission).

Conditions:
Familial colorectal cancer type X. Identifiers: Orphanet 440437, MedGen C3896578, MONDO:0018604.

gnomAD v4.1: 1 of 1,342,088 alleles (0.000075%); highest among the groups gnomAD compares: Non-Finnish European, 0.0001%; no homozygotes.

Submission:

Myriad Genetics, Inc.
Classification: Likely benign for Familial colorectal cancer type X. Last evaluated: 2026-07-31. Review status: criteria provided, single submitter. Criteria: Myriad Autosomal Dominant, Autosomal Recessive and X-Linked Classification Criteria (2023). Collection method: clinical testing. Allele origin: unknown.
Comment: This variant is considered likely benign. This variant is intronic and is not expected to impact mRNA splicing.

NM_001146227.3(RPS20):c.334-20T>C

Gene: RPS20 (ribosomal protein S20; minus strand). Cytogenetic location: 8q12.1.
Variant type: single nucleotide variant.
Coding change: c.334-20T>C on transcript NM_001146227.3; 20 bases into the intron before coding-DNA position 334, T replaced by C.
Molecular consequence: intron variant.
Genome position (GRCh38, 1-based): chr8:56,069,853, A>G on the plus strand (T>C on the coding strand, the complement: RPS20 is on the minus strand). VCF-style: chr8-56069853-A-G. GRCh37 (hg19) VCF-style: chr8-56982412-A-G.
Identifiers: ClinVar variation 5042132 (VCV005042132.1).